The following is an entry in ClinVar:

ClinVar aggregate classification (germline): Uncertain significance. Review status: criteria provided, multiple submitters, no conflicts (2 of 4 stars). 2 submissions from 2 submitters: Uncertain significance (2). Last evaluated 2025-06-30.

Conditions:
Kabuki syndrome 1 (KABUK1). Also called: KMT2D-Related Kabuki Syndrome. Identifiers: Orphanet 2322, MedGen CN030661, MONDO:0007843, OMIM 147920.
Choanal atresia-athelia-hypothyroidism-delayed puberty-short stature syndrome (BCAHH). Also called: BRANCHIAL ARCH ABNORMALITIES, CHOANAL ATRESIA, ATHELIA, HEARING LOSS, AND HYPOTHYROIDISM SYNDROME. Identifiers: Orphanet 589856, MedGen C5680310, MONDO:0035651, OMIM 620186.
KMT2D-related disorder. Also called: KMT2D-Related Disorders.

gnomAD v4.1: 2 of 1,613,996 alleles (0.00012%); highest among the groups gnomAD compares: African/African-American, 0.0013%; no homozygotes.

Submissions (2):

PreventionGenetics, part of Exact Sciences
Classification: Uncertain significance for KMT2D-related condition. Last evaluated: 2025-06-30. Review status: criteria provided, single submitter. Criteria: ACMG Guidelines, 2015. Collection method: clinical testing. Allele origin: germline.
Comment: The KMT2D c.5194C>T variant is predicted to result in the amino acid substitution p.Pro1732Ser. To our knowledge, this variant has not been reported in the literature. This variant is reported in 0.0065% of alleles in individuals of African descent in gnomAD. At this time, the clinical significance of this variant is uncertain due to the absence of conclusive functional and genetic evidence.

Fulgent Genetics
Classification: Uncertain significance for Kabuki syndrome 1; Choanal atresia-athelia-hypothyroidism-delayed puberty-short stature syndrome. Last evaluated: 2024-03-30. Review status: criteria provided, single submitter. Criteria: ACMG Guidelines, 2015. Collection method: clinical testing. Allele origin: germline.

NM_003482.4(KMT2D):c.5194C>T (p.Pro1732Ser)

Gene: KMT2D (lysine methyltransferase 2D; minus strand). Cytogenetic location: 12q13.12.
Variant type: single nucleotide variant.
Coding change: c.5194C>T on transcript NM_003482.4 (MANE Select); coding-DNA position 5194, C replaced by T.
Protein change: p.Pro1732Ser; replaces proline 1732 with serine.
Molecular consequence: missense variant.
Genome position (GRCh38, 1-based): chr12:49,043,993, G>A on the plus strand (C>T on the coding strand, the complement: KMT2D is on the minus strand). VCF-style: chr12-49043993-G-A. GRCh37 (hg19) VCF-style: chr12-49437776-G-A.
Other names: short protein forms P1732S.
Identifiers: ClinVar variation 3574803 (VCV003574803.2).
Genomic context (GRCh38, chr12:49,043,993, plus strand): 5'-TCTTCTCATCCCCTTCAGCTAAGCTCTGCTCCACGGCGCCCTCTGCAGGCAGGTCAGCAG[G>A]TATCACTGTGGACAGAACGGAAGTGTCAGACTCGGGTTGAGAGCATGCTGCTCCCAACTT-3'
Protein context (NP_003473.3, residues 1722-1742): SGDGQPDEVI[Pro1732Ser]ADLPAEGAVE